The following is an entry in ClinVar:

NM_000642.3(AGL):c.82+4A>C

Gene: AGL (amylo-alpha-1,6-glucosidase and 4-alpha-glucanotransferase; plus strand). Cytogenetic location: 1p21.2.
Variant type: single nucleotide variant.
Coding change: c.82+4A>C on transcript NM_000642.3 (MANE Select); 4 bases into the intron after coding-DNA position 82, A replaced by C.
Molecular consequence: intron variant.
Genome position (GRCh38, 1-based): chr1:99,851,128, A>C. VCF-style: chr1-99851128-A-C. GRCh37 (hg19) VCF-style: chr1-100316684-A-C.
Other names: c.82+4A>C (NM_000028.3, NM_000643.3, NM_000644.3 and 6 more transcripts); c.-110+4A>C (NM_000646.3).
Identifiers: ClinVar variation 291322 (VCV000291322.63), dbSNP rs765098686, ClinGen allele CA966009.

ClinVar aggregate classification (germline): Conflicting classifications of pathogenicity. Review status: criteria provided, conflicting classifications (1 of 4 stars). 9 submissions from 9 submitters: Uncertain significance (4); Likely benign (3). 2 of the submissions do not count toward it. Last evaluated 2026-06-01.

Conditions:
Inborn genetic diseases. Identifiers: MedGen C0950123, MeSH D030342.
AGL-related disorder. Also called: AGL-related condition.
Glycogen storage disease type III (GSD3). Also called: Cori disease; FORBES DISEASE. Identifiers: Orphanet 366, MedGen C0017922, MONDO:0009291, OMIM 232400.

Allele frequency attached by ClinVar (database versions not stated): ExAC 0.00020; gnomAD exomes 0.00021 and 0.00028; TOPMed 0.00023; gnomAD 0.00026 and 0.00029.
gnomAD v4.1: 347 of 1,612,506 alleles (0.022%); highest among the groups gnomAD compares: Non-Finnish European, 0.02%; 2 homozygotes.

Submissions (10):

CeGaT Center for Human Genetics Tuebingen
Classification: Uncertain significance. Last evaluated: 2026-06-01. Review status: criteria provided, single submitter. Criteria: CeGaT Center For Human Genetics Tuebingen Variant Classification Criteria Version 2. Collection method: clinical testing. Allele origin: germline. Affected: yes. Observed: 6 variant alleles.
Comment: AGL: PM2, BP4

Labcorp Genetics (formerly Invitae), Labcorp
Classification: Likely benign for Glycogen storage disease type III. Last evaluated: 2026-02-03. Review status: criteria provided, single submitter. Criteria: Invitae Variant Classification Sherloc (09022015). Collection method: clinical testing. Allele origin: germline.

ARUP Laboratories, Molecular Genetics and Genomics, ARUP Laboratories
Classification: Uncertain significance. Last evaluated: 2025-05-22. Review status: criteria provided, single submitter. Criteria: ARUP Molecular Germline Variant Investigation Process 2024. Collection method: clinical testing. Allele origin: germline.
Comment: The AGL c.82+4A>C variant (rs765098686), to our knowledge, is not reported in the medical literature but is reported in ClinVar (Variation ID: 291322). This variant is found in the general population with an overall allele frequency of 0.03% (75/282,832 alleles) in the Genome Aggregation Database (v2.1.1). This is an intronic variant and computational analyses (Alamut Visual Plus v.1.12) predict that this variant may impact splicing by weakening the nearby canonical donor splice site. Due to limited information, the clinical significance of this variant is uncertain at this time.

Ambry Genetics
Classification: Uncertain significance for Inborn genetic diseases. Last evaluated: 2022-01-19. Review status: criteria provided, single submitter. Criteria: Ambry Variant Classification Scheme 2023. Collection method: clinical testing. Allele origin: germline.
Comment: The c.82+4A>C intronic alteration results from an A to C substitution 4 nucleotides after exon 2 (coding exon 1) of the AGL gene. In silico splice site analysis predicts that this alteration will not have any significant effect on splicing. Based on insufficient or conflicting evidence, the clinical significance of this alteration remains unclear.

Genome-Nilou Lab
Classification: Likely benign for Glycogen storage disease type III. Last evaluated: 2021-07-15. Review status: criteria provided, single submitter. Criteria: ACMG Guidelines, 2015. Collection method: clinical testing. Allele origin: germline. Affected: no.

Illumina Laboratory Services, Illumina
Classification: Uncertain significance for Glycogen storage disease type III. Last evaluated: 2018-01-12. Review status: criteria provided, single submitter. Criteria: ICSL Variant Classification Criteria 13 December 2019. Collection method: clinical testing. Allele origin: germline.

GeneDx
Classification: Likely benign. Last evaluated: 2016-10-06. Review status: criteria provided, single submitter. Criteria: GeneDx Variant Classification (06012015). Collection method: clinical testing. Allele origin: germline. Affected: yes.
Comment: This variant is considered likely benign or benign based on one or more of the following criteria: it is a conservative change, it occurs at a poorly conserved position in the protein, it is predicted to be benign by multiple in silico algorithms, and/or has population frequency not consistent with disease.

PreventionGenetics, part of Exact Sciences
Classification: Likely benign for AGL-related condition. Last evaluated: 2022-01-31. Review status: no assertion criteria provided. Collection method: clinical testing. Allele origin: germline. Not counted in ClinVar's aggregate classification.
Comment: This variant is classified as likely benign based on ACMG/AMP sequence variant interpretation guidelines (Richards et al. 2015 PMID: 25741868, with internal and published modifications).

Natera, Inc.
Classification: Uncertain significance for Glycogen storage disease type III. Last evaluated: 2020-01-12. Review status: no assertion criteria provided. Collection method: clinical testing. Allele origin: germline. Not counted in ClinVar's aggregate classification.

Dr. Peter K. Rogan Lab, Western University
No classification provided (evidence only). Condition: Nonpapillary renal cell carcinoma. Review status: no classification provided. Collection method: in vitro. Allele origin: not applicable. Functional consequence: retained intron. Not counted in ClinVar's aggregate classification.